The following is an entry in ClinVar:

NM_014141.6(CNTNAP2):c.3105C>T (p.Asn1035=)

Gene: CNTNAP2 (contactin associated protein 2; plus strand). Cytogenetic location: 7q36.1.
Variant type: single nucleotide variant.
Coding change: c.3105C>T on transcript NM_014141.6 (MANE Select); coding-DNA position 3105, C replaced by T.
Protein change: p.Asn1035=; no amino-acid change (asparagine 1035 retained).
Molecular consequence: synonymous variant.
Genome position (GRCh38, 1-based): chr7:148,217,382, C>T. VCF-style: chr7-148217382-C-T. GRCh37 (hg19) VCF-style: chr7-147914474-C-T.
Other names: p.N1035N:AAC>AAT.
Identifiers: ClinVar variation 136822 (VCV000136822.81), dbSNP rs112483670, ClinGen allele CA295608.

ClinVar aggregate classification (germline): Benign/Likely benign. Review status: criteria provided, multiple submitters, no conflicts (2 of 4 stars). 8 submissions from 8 submitters: Benign (2); Likely benign (6). Last evaluated 2026-01-28.

Conditions:
Inborn genetic diseases. Identifiers: MedGen C0950123, MeSH D030342.
Cortical dysplasia-focal epilepsy syndrome (PTHSL1). Also called: Pitt-Hopkins-like syndrome 1. Identifiers: Orphanet 163681, Orphanet 221150, MedGen C2750246, MONDO:0012400, OMIM 610042.

Allele frequency attached by ClinVar (database versions not stated): gnomAD exomes 0.00077; gnomAD 0.00264 and 0.00257; TOPMed 0.00276; 1000 Genomes Project 30x 0.00468; ExAC 0.00100; 1000 Genomes Project 0.00379; ESP Exome Variant Server 0.00246.
gnomAD v4.1: 974 of 1,614,170 alleles (0.06%); highest among the groups gnomAD compares: African/African-American, 0.86%; 7 homozygotes.

Submissions (8):

Labcorp Genetics (formerly Invitae), Labcorp
Classification: Benign for Cortical dysplasia-focal epilepsy syndrome. Last evaluated: 2026-01-28. Review status: criteria provided, single submitter. Criteria: Invitae Variant Classification Sherloc (09022015). Collection method: clinical testing. Allele origin: germline.

CeGaT Center for Human Genetics Tuebingen
Classification: Likely benign. Last evaluated: 2025-12-01. Review status: criteria provided, single submitter. Criteria: CeGaT Center For Human Genetics Tuebingen Variant Classification Criteria Version 2. Collection method: clinical testing. Allele origin: germline. Affected: yes. Observed: 2 variant alleles.
Comment: CNTNAP2: BP4, BP7

Blueprint Genetics
Classification: Likely benign. Last evaluated: 2024-09-06. Review status: criteria provided, single submitter. Criteria: ACMG Guidelines, 2015. Collection method: clinical testing. Allele origin: germline.

Illumina Laboratory Services, Illumina
Classification: Likely benign for Cortical dysplasia-focal epilepsy syndrome. Last evaluated: 2018-01-12. Review status: criteria provided, single submitter. Criteria: ICSL Variant Classification Criteria 13 December 2019. Collection method: clinical testing. Allele origin: germline.
Comment: This variant was observed in the ICSL laboratory as part of a predisposition screen in an ostensibly healthy population. It had not been previously curated by ICSL or reported in the Human Gene Mutation Database (HGMD: prior to June 1st, 2018), and was therefore a candidate for classification through an automated scoring system. Utilizing variant allele frequency, disease prevalence and penetrance estimates, and inheritance mode, an automated score was calculated to assess if this variant is too frequent to cause the disease. Based on the score and internal cut-off values, a variant classified as likely benign is not then subjected to further curation. The score for this variant resulted in a classification of likely benign for this disease.

Athena Diagnostics
Classification: Likely benign. Last evaluated: 2017-04-24. Review status: criteria provided, single submitter. Criteria: Athena Diagnostics Criteria. Collection method: clinical testing. Allele origin: germline.

Ambry Genetics
Classification: Likely benign for Inborn genetic diseases. Last evaluated: 2016-07-14. Review status: criteria provided, single submitter. Criteria: Ambry Variant Classification Scheme 2023. Collection method: clinical testing. Allele origin: germline.

Eurofins Ntd Llc (ga)
Classification: Likely benign. Last evaluated: 2014-04-04. Review status: criteria provided, single submitter. Criteria: EGL Classification Definitions 2015. Collection method: clinical testing. Allele origin: germline. Observed: 1 variant allele, 1 heterozygote.

GeneDx
Classification: Benign. Last evaluated: 2013-03-01. Review status: criteria provided, single submitter. Criteria: GeneDx Variant Classification (06012015). Collection method: clinical testing. Allele origin: germline. Affected: yes.
Comment: This variant is considered likely benign or benign based on one or more of the following criteria: it is a conservative change, it occurs at a poorly conserved position in the protein, it is predicted to be benign by multiple in silico algorithms, and/or has population frequency not consistent with disease.